The following is an entry in ClinVar:

NM_005461.5(MAFB):c.114C>A (p.Arg38=)

Gene: MAFB (MAF bZIP transcription factor B; minus strand). Cytogenetic location: 20q12.
Variant type: single nucleotide variant.
Coding change: c.114C>A on transcript NM_005461.5 (MANE Select); coding-DNA position 114, C replaced by A.
Protein change: p.Arg38=; no amino-acid change (arginine 38 retained).
Molecular consequence: synonymous variant.
Genome position (GRCh38, 1-based): chr20:40,688,737, G>T on the plus strand (C>A on the coding strand, the complement: MAFB is on the minus strand). VCF-style: chr20-40688737-G-T. GRCh37 (hg19) VCF-style: chr20-39317377-G-T.
Identifiers: ClinVar variation 3046482 (VCV003046482.2), dbSNP rs764292811, ClinGen allele CA9857841.

ClinVar aggregate classification (germline): Likely benign (0 of 4 stars; one submission).

Conditions:
MAFB-related disorder. Also called: MAFB-related condition.

Allele frequency attached by ClinVar (database versions not stated): gnomAD 0.00001; TOPMed 0.00001; ExAC 0.00005.
gnomAD v4.1: 32 of 1,613,784 alleles (0.002%); highest among the groups gnomAD compares: South Asian, 0.029%; 2 homozygotes.

Submission:

PreventionGenetics, part of Exact Sciences
Classification: Likely benign for MAFB-related condition. Last evaluated: 2019-03-01. Review status: no assertion criteria provided. Collection method: clinical testing. Allele origin: germline.
Comment: This variant is classified as likely benign based on ACMG/AMP sequence variant interpretation guidelines (Richards et al. 2015 PMID: 25741868, with internal and published modifications).